The following is an entry in ClinVar:

NM_001276270.2(MBD4):c.1312C>A (p.Pro438Thr)

Gene: MBD4 (methyl-CpG binding domain 4, DNA glycosylase; minus strand). Cytogenetic location: 3q21.3.
Variant type: single nucleotide variant.
Coding change: c.1312C>A on transcript NM_001276270.2 (MANE Select); coding-DNA position 1312, C replaced by A.
Protein change: p.Pro438Thr; replaces proline 438 with threonine.
Molecular consequence: missense variant.
Genome position (GRCh38, 1-based): chr3:129,433,931, G>T on the plus strand (C>A on the coding strand, the complement: MBD4 is on the minus strand). VCF-style: chr3-129433931-G-T. GRCh37 (hg19) VCF-style: chr3-129152774-G-T.
Other names: c.1330C>A, p.Pro444Thr (NM_001276271.2, NM_001276272.2, NM_003925.3); c.376C>A, p.Pro126Thr (NM_001276273.2); short protein forms P438T, P444T, P126T.
Identifiers: ClinVar variation 3721500 (VCV003721500.2).

ClinVar aggregate classification (germline): Uncertain significance (1 of 4 stars; one submission).

Submission:

Labcorp Genetics (formerly Invitae), Labcorp
Classification: Uncertain significance. Last evaluated: 2024-09-25. Review status: criteria provided, single submitter. Criteria: Invitae Variant Classification Sherloc (09022015). Collection method: clinical testing. Allele origin: germline.
Comment: This sequence change replaces proline, which is neutral and non-polar, with threonine, which is neutral and polar, at codon 444 of the MBD4 protein (p.Pro444Thr). This variant is not present in population databases (gnomAD no frequency). This variant has not been reported in the literature in individuals affected with MBD4-related conditions. An algorithm developed to predict the effect of missense changes on protein structure and function (PolyPhen-2) suggests that this variant is likely to be disruptive. In summary, the available evidence is currently insufficient to determine the role of this variant in disease. Therefore, it has been classified as a Variant of Uncertain Significance.